The following is an entry in ClinVar:

ClinVar aggregate classification (germline): Likely benign (0 of 4 stars; one submission).

Conditions:
SOX1-related disorder. Also called: SOX1-related condition.

Allele frequency attached by ClinVar (database versions not stated): gnomAD exomes below 0.00001.

Submission:

PreventionGenetics, part of Exact Sciences
Classification: Likely benign for SOX1-related condition. Last evaluated: 2022-08-17. Review status: no assertion criteria provided. Collection method: clinical testing. Allele origin: germline.
Comment: This variant is classified as likely benign based on ACMG/AMP sequence variant interpretation guidelines (Richards et al. 2015 PMID: 25741868, with internal and published modifications).

NM_005986.3(SOX1):c.909G>C (p.Ala303=)

Genes: SOX1 (SRY-box transcription factor 1; plus strand), SOX1-OT (SOX1 overlapping transcript; plus strand). Cytogenetic location: 13q34.
Variant type: single nucleotide variant.
Coding change: c.909G>C on transcript NM_005986.3 (MANE Select); coding-DNA position 909, G replaced by C.
Protein change: p.Ala303=; no amino-acid change (alanine 303 retained).
Molecular consequence: synonymous variant.
Genome position (GRCh38, 1-based): chr13:112,068,567, G>C. VCF-style: chr13-112068567-G-C. GRCh37 (hg19) VCF-style: chr13-112722881-G-C.
Identifiers: ClinVar variation 3041816 (VCV003041816.2), dbSNP rs1880797533, ClinGen allele CA484985694.